The following is an entry in ClinVar:

ClinVar aggregate classification (germline): Conflicting classifications of pathogenicity. Review status: criteria provided, conflicting classifications (1 of 4 stars). 6 submissions from 6 submitters: Uncertain significance (4); Likely benign (1). 1 of the submissions does not count toward it. Last evaluated 2026-08-05.

Conditions:
SACS-related disorder. Also called: SACS-related condition.
Spastic paraplegia. Identifiers: MedGen C0037772, HP:0001258.
Charlevoix-Saguenay spastic ataxia (SACS). Also called: AUTOSOMAL RECESSIVE SPASTIC ATAXIA OF CHARLEVOIX-SAGUENAY; SPASTIC ATAXIA 6, AUTOSOMAL RECESSIVE; Spastic ataxia of Charlevoix-Saguenay. Identifiers: Orphanet 98, MedGen C1849140, MONDO:0010041, OMIM 270550.
Inborn genetic diseases. Identifiers: MedGen C0950123, MeSH D030342.

Allele frequency attached by ClinVar (database versions not stated): ExAC 0.00001.
gnomAD v4.1: 29 of 1,614,036 alleles (0.0018%); highest among the groups gnomAD compares: Non-Finnish European, 0.0022%; no homozygotes.

Submissions (6):

PreventionGenetics, part of Exact Sciences
Classification: Uncertain significance for SACS-related condition. Last evaluated: 2026-08-05. Review status: criteria provided, single submitter. Criteria: ACMG Guidelines, 2015. Collection method: clinical testing. Allele origin: germline.
Comment: The SACS c.5785C>T variant is predicted to result in the amino acid substitution p.Arg1929Trp. To our knowledge, this variant has not been reported in the literature. This variant is reported in 0.0029% of alleles in individuals of Latino descent in gnomAD. At this time, the clinical significance of this variant is uncertain due to the absence of conclusive functional and genetic evidence.

Ambry Genetics
Classification: Uncertain significance for Inborn genetic diseases. Last evaluated: 2024-09-09. Review status: criteria provided, single submitter. Criteria: Ambry Variant Classification Scheme 2023. Collection method: clinical testing. Allele origin: germline.

Labcorp Genetics (formerly Invitae), Labcorp
Classification: Likely benign for Spastic paraplegia. Last evaluated: 2023-07-10. Review status: criteria provided, single submitter. Criteria: Invitae Variant Classification Sherloc (09022015). Collection method: clinical testing. Allele origin: germline.

Genome-Nilou Lab
Classification: Uncertain significance for Charlevoix-Saguenay spastic ataxia. Last evaluated: 2021-09-05. Review status: criteria provided, single submitter. Criteria: ACMG Guidelines, 2015. Collection method: clinical testing. Allele origin: germline. Affected: no.

Illumina Laboratory Services, Illumina
Classification: Uncertain significance for Charlevoix-Saguenay spastic ataxia. Last evaluated: 2018-01-12. Review status: criteria provided, single submitter. Criteria: ICSL Variant Classification Criteria 13 December 2019. Collection method: clinical testing. Allele origin: germline.

Natera, Inc.
Classification: Uncertain significance for Charlevoix-Saguenay type spastic ataxia. Last evaluated: 2020-03-17. Review status: no assertion criteria provided. Collection method: clinical testing. Allele origin: germline. Not counted in ClinVar's aggregate classification.

NM_014363.6(SACS):c.5785C>T (p.Arg1929Trp)

Gene: SACS (sacsin molecular chaperone; minus strand). Cytogenetic location: 13q12.12.
Variant type: single nucleotide variant.
Coding change: c.5785C>T on transcript NM_014363.6 (MANE Select); coding-DNA position 5785, C replaced by T.
Protein change: p.Arg1929Trp; replaces arginine 1929 with tryptophan.
Molecular consequence: missense variant.
Genome position (GRCh38, 1-based): chr13:23,338,091, G>A on the plus strand (C>T on the coding strand, the complement: SACS is on the minus strand). VCF-style: chr13-23338091-G-A. GRCh37 (hg19) VCF-style: chr13-23912230-G-A.
Other names: c.5344C>T, p.Arg1782Trp (NM_001278055.2); c.5785C>T (NM_014363.4); short protein forms R1782W, R1929W.
Identifiers: ClinVar variation 858918 (VCV000858918.19), dbSNP rs141019064, ClinGen allele CA6911196.